The following is an entry in ClinVar:

ClinVar aggregate classification (germline): Uncertain significance (1 of 4 stars; one submission).

Conditions:
Cardiovascular phenotype. Identifiers: MedGen CN230736.

gnomAD v4.1: 2 of 1,613,910 alleles (0.00012%); highest among the groups gnomAD compares: East Asian, 0.0045%; no homozygotes.

Submission:

Ambry Genetics
Classification: Uncertain significance for Cardiovascular phenotype. Last evaluated: 2025-12-24. Review status: criteria provided, single submitter. Criteria: Ambry Variant Classification Scheme 2023. Collection method: clinical testing. Allele origin: germline.
Comment: The p.L442M variant (also known as c.1324T>A), located in coding exon 10 of the APOB gene, results from a T to A substitution at nucleotide position 1324. The leucine at codon 442 is replaced by methionine, an amino acid with highly similar properties. This amino acid position is conserved. In addition, this alteration is predicted to be tolerated by in silico analysis. Based on the available evidence, the clinical significance of this variant remains unclear.

NM_000384.3(APOB):c.1324T>A (p.Leu442Met)

Gene: APOB (apolipoprotein B; minus strand). Cytogenetic location: 2p24.1.
Variant type: single nucleotide variant.
Coding change: c.1324T>A on transcript NM_000384.3 (MANE Select); coding-DNA position 1324, T replaced by A.
Protein change: p.Leu442Met; replaces leucine 442 with methionine.
Molecular consequence: missense variant.
Genome position (GRCh38, 1-based): chr2:21,032,382, A>T on the plus strand (T>A on the coding strand, the complement: APOB is on the minus strand). VCF-style: chr2-21032382-A-T. GRCh37 (hg19) VCF-style: chr2-21255254-A-T.
Other names: short protein forms L442M.
Identifiers: ClinVar variation 4842884 (VCV004842884.1).